The following is an entry in ClinVar:

NM_001017995.3(SH3PXD2B):c.1186G>A (p.Glu396Lys)

Gene: SH3PXD2B (SH3 and PX domains 2B; minus strand). Cytogenetic location: 5q35.1.
Variant type: single nucleotide variant.
Coding change: c.1186G>A on transcript NM_001017995.3 (MANE Select); coding-DNA position 1186, G replaced by A.
Protein change: p.Glu396Lys; replaces glutamic acid 396 with lysine.
Molecular consequence: missense variant.
Genome position (GRCh38, 1-based): chr5:172,346,138, C>T on the plus strand (G>A on the coding strand, the complement: SH3PXD2B is on the minus strand). VCF-style: chr5-172346138-C-T. GRCh37 (hg19) VCF-style: chr5-171773142-C-T.
Other names: c.1186G>A, p.Glu396Lys (NM_001308175.2); c.1186G>A (NM_001017995.2); short protein forms E396K.
Identifiers: ClinVar variation 1057658 (VCV001057658.7), dbSNP rs369123624, ClinGen allele CA3561273.

ClinVar aggregate classification (germline): Uncertain significance. Review status: criteria provided, multiple submitters, no conflicts (2 of 4 stars). 2 submissions from 2 submitters: Uncertain significance (2). Last evaluated 2024-05-21.

Allele frequency attached by ClinVar (database versions not stated): gnomAD 0.00001 and 0.00002; gnomAD exomes 0.00001; ExAC 0.00002; TOPMed 0.00002; ESP Exome Variant Server 0.00008.
gnomAD v4.1: 9 of 1,613,934 alleles (0.00056%); highest among the groups gnomAD compares: Admixed American, 0.005%; no homozygotes.

Submissions (2):

GeneDx
Classification: Uncertain significance. Last evaluated: 2024-05-21. Review status: criteria provided, single submitter. Criteria: GeneDx Variant Classification Process June 2021. Collection method: clinical testing. Allele origin: germline. Affected: yes.
Comment: Reported in an individual with primary congenital glaucoma; however, further patient-specific detail was not provided (PMID: 22509100); Not observed at significant frequency in large population cohorts (gnomAD); In silico analysis supports that this missense variant has a deleterious effect on protein structure/function; This variant is associated with the following publications: (PMID: 22509100)

Labcorp Genetics (formerly Invitae), Labcorp
Classification: Uncertain significance. Last evaluated: 2021-08-27. Review status: criteria provided, single submitter. Criteria: Invitae Variant Classification Sherloc (09022015). Collection method: clinical testing. Allele origin: germline.
Comment: This sequence change replaces glutamic acid with lysine at codon 396 of the SH3PXD2B protein (p.Glu396Lys). The glutamic acid residue is highly conserved and there is a small physicochemical difference between glutamic acid and lysine. This variant is present in population databases (rs369123624, ExAC 0.003%). This variant has not been reported in the literature in individuals affected with SH3PXD2B-related conditions. Algorithms developed to predict the effect of missense changes on protein structure and function are either unavailable or do not agree on the potential impact of this missense change (SIFT: "Deleterious"; PolyPhen-2: "Benign"; Align-GVGD: "Class C55"). In summary, the available evidence is currently insufficient to determine the role of this variant in disease. Therefore, it has been classified as a Variant of Uncertain Significance.